The following is an entry in ClinVar:

ClinVar aggregate classification (germline): Uncertain significance (1 of 4 stars; one submission).

Conditions:
Epileptic encephalopathy. Identifiers: MedGen C0543888, HP:0200134.

Submission:

Labcorp Genetics (formerly Invitae), Labcorp
Classification: Uncertain significance for Epileptic encephalopathy. Last evaluated: 2023-05-11. Review status: criteria provided, single submitter. Criteria: Invitae Variant Classification Sherloc (09022015). Collection method: clinical testing. Allele origin: germline.
Comment: This sequence change replaces glutamine, which is neutral and polar, with histidine, which is basic and polar, at codon 509 of the GABBR2 protein (p.Gln509His). This variant is not present in population databases (gnomAD no frequency). This variant has not been reported in the literature in individuals affected with GABBR2-related conditions. An algorithm developed to predict the effect of missense changes on protein structure and function (PolyPhen-2) suggests that this variant is likely to be tolerated. In summary, the available evidence is currently insufficient to determine the role of this variant in disease. Therefore, it has been classified as a Variant of Uncertain Significance.

NM_005458.8(GABBR2):c.1527G>T (p.Gln509His)

Gene: GABBR2 (gamma-aminobutyric acid type B receptor subunit 2; minus strand). Cytogenetic location: 9q22.33.
Variant type: single nucleotide variant.
Coding change: c.1527G>T on transcript NM_005458.8 (MANE Select); coding-DNA position 1527, G replaced by T.
Protein change: p.Gln509His; replaces glutamine 509 with histidine.
Molecular consequence: missense variant.
Genome position (GRCh38, 1-based): chr9:98,388,856, C>A on the plus strand (G>T on the coding strand, the complement: GABBR2 is on the minus strand). VCF-style: chr9-98388856-C-A. GRCh37 (hg19) VCF-style: chr9-101151138-C-A.
Other names: short protein forms Q509H.
Identifiers: ClinVar variation 2838856 (VCV002838856.3), dbSNP rs2491435778, ClinGen allele CA374211549.
Genomic context (GRCh38, chr9:98,388,856, plus strand): 5'-GTCCATAGGCTTGTCAATTTAGAAAGTGATATCACAGAGGAGGACCAGGGTGGCTTACTT[C>A]TGATTCCGGTTCTTGATGTTGAAGAAGAGAAAAGCACTGGCCATGATCATCCCGAGGATG-3'
Protein context (NP_005449.5, residues 499-519): FLFFNIKNRN[Gln509His]KLIKMSSPYM